The following is an entry in ClinVar:

NM_001292063.2(OTOG):c.1522A>G (p.Ile508Val)

Gene: OTOG (otogelin; plus strand). Cytogenetic location: 11p15.1.
Variant type: single nucleotide variant.
Coding change: c.1522A>G on transcript NM_001292063.2 (MANE Select); coding-DNA position 1522, A replaced by G.
Protein change: p.Ile508Val; replaces isoleucine 508 with valine.
Molecular consequence: missense variant.
Genome position (GRCh38, 1-based): chr11:17,561,685, A>G. VCF-style: chr11-17561685-A-G. GRCh37 (hg19) VCF-style: chr11-17583232-A-G.
Other names: c.1558A>G, p.Ile520Val (NM_001277269.2); short protein forms I520V, I508V.
Identifiers: ClinVar variation 1385503 (VCV001385503.6), dbSNP rs2134011205, ClinGen allele CA379818043.

ClinVar aggregate classification (germline): Uncertain significance (1 of 4 stars; one submission).

Allele frequency attached by ClinVar (database versions not stated): gnomAD exomes below 0.00001.
gnomAD v4.1: 1 of 1,550,462 alleles (0.000064%); highest among the groups gnomAD compares: Non-Finnish European, 0.000087%; no homozygotes.

Submission:

Labcorp Genetics (formerly Invitae), Labcorp
Classification: Uncertain significance. Last evaluated: 2022-07-26. Review status: criteria provided, single submitter. Criteria: Invitae Variant Classification Sherloc (09022015). Collection method: clinical testing. Allele origin: germline.
Comment: In summary, the available evidence is currently insufficient to determine the role of this variant in disease. Therefore, it has been classified as a Variant of Uncertain Significance. Algorithms developed to predict the effect of missense changes on protein structure and function (SIFT, PolyPhen-2, Align-GVGD) all suggest that this variant is likely to be tolerated. ClinVar contains an entry for this variant (Variation ID: 1385503). This variant has not been reported in the literature in individuals affected with OTOG-related conditions. This variant is not present in population databases (gnomAD no frequency). This sequence change replaces isoleucine, which is neutral and non-polar, with valine, which is neutral and non-polar, at codon 520 of the OTOG protein (p.Ile520Val).